The following is an entry in ClinVar:

ClinVar aggregate classification (germline): Uncertain significance (1 of 4 stars; one submission).

Conditions:
TMEM67-related disorder. Also called: TMEM67-related disorders; TMEM67-related condition. Identifiers: MedGen CN239423.

gnomAD v4.1: 1 of 1,612,526 alleles (0.000062%); highest among the groups gnomAD compares: Admixed American, 0.0017%; no homozygotes.

Submission:

PreventionGenetics, part of Exact Sciences
Classification: Uncertain significance for TMEM67-related condition. Last evaluated: 2026-09-08. Review status: criteria provided, single submitter. Criteria: ACMG Guidelines, 2015. Collection method: clinical testing. Allele origin: germline.
Comment: The TMEM67 c.912A>G variant is not predicted to result in an amino acid change (p.=). This variant is predicted to alter splicing based on available splicing prediction software (SpliceAI, Jaganathan et al. 2019. PubMed ID: 30661751). However, the use of computer prediction software is not equivalent to functional evidence. To our knowledge, this variant has not been reported in the literature or in a large population database (gnomAD), indicating this variant is rare. At this time, the clinical significance of this variant is uncertain due to the absence of conclusive functional and genetic evidence.

NM_153704.6(TMEM67):c.912A>G (p.Gly304=)

Gene: TMEM67 (transmembrane protein 67; plus strand). Cytogenetic location: 8q22.1.
Variant type: single nucleotide variant.
Coding change: c.912A>G on transcript NM_153704.6 (MANE Select); coding-DNA position 912, A replaced by G.
Protein change: p.Gly304=; no amino-acid change (glycine 304 retained).
Molecular consequence: synonymous variant. On other transcripts: non-coding transcript variant (1).
Genome position (GRCh38, 1-based): chr8:93,780,916, A>G. VCF-style: chr8-93780916-A-G. GRCh37 (hg19) VCF-style: chr8-94793144-A-G.
Other names: c.669A>G, p.Gly223= (NM_001142301.1).
Identifiers: ClinVar variation 4996275 (VCV004996275.1).
Genomic context (GRCh38, chr8:93,780,916, plus strand): 5'-AGTTGTAACTGTTTATAGGAGACAGAATCTTCCTTGGCTGTTTTATGGAGACCAGTTAGG[A>G]TTAGCACCTCAAGTGCTCAGTTCTACCTCTCTTCCTACAAATTTCAGTTTTAAAGGAGAA-3'
Protein context (NP_714915.3, residues 294-314): LPWLFYGDQL[Gly304=]LAPQVLSSTS